The following is an entry in ClinVar:

ClinVar aggregate classification (germline): Likely benign. Review status: criteria provided, multiple submitters, no conflicts (2 of 4 stars). 2 submissions from 2 submitters: Likely benign (2). Last evaluated 2025-12-30.

Allele frequency attached by ClinVar (database versions not stated): gnomAD 0.00006; TOPMed 0.00006; ExAC 0.00008; 1000 Genomes Project 30x 0.00016; 1000 Genomes Project 0.00020.
gnomAD v4.1: 21 of 1,611,274 alleles (0.0013%); highest among the groups gnomAD compares: African/African-American, 0.021%; no homozygotes.

Submissions (2):

Labcorp Genetics (formerly Invitae), Labcorp
Classification: Likely benign. Last evaluated: 2025-12-30. Review status: criteria provided, single submitter. Criteria: Invitae Variant Classification Sherloc (09022015). Collection method: clinical testing. Allele origin: germline.

GeneDx
Classification: Likely benign. Last evaluated: 2017-06-22. Review status: criteria provided, single submitter. Criteria: GeneDx Variant Classification (06012015). Collection method: clinical testing. Allele origin: germline. Affected: yes.
Comment: This variant is considered likely benign or benign based on one or more of the following criteria: it is a conservative change, it occurs at a poorly conserved position in the protein, it is predicted to be benign by multiple in silico algorithms, and/or has population frequency not consistent with disease.

NM_080680.3(COL11A2):c.1236C>G (p.Pro412=)

Gene: COL11A2 (collagen type XI alpha 2 chain; minus strand). Cytogenetic location: 6p21.32.
Variant type: single nucleotide variant.
Coding change: c.1236C>G on transcript NM_080680.3 (MANE Select); coding-DNA position 1236, C replaced by G.
Protein change: p.Pro412=; no amino-acid change (proline 412 retained).
Molecular consequence: synonymous variant.
Genome position (GRCh38, 1-based): chr6:33,180,716, G>C on the plus strand (C>G on the coding strand, the complement: COL11A2 is on the minus strand). VCF-style: chr6-33180716-G-C. GRCh37 (hg19) VCF-style: chr6-33148493-G-C.
Other names: c.915C>G, p.Pro305= (NM_080679.3); c.978C>G, p.Pro326= (NM_080681.3).
Identifiers: ClinVar variation 518148 (VCV000518148.9), dbSNP rs541288921, ClinGen allele CA3751414.